The following is an entry in ClinVar:

NM_020549.5(CHAT):c.579+102A>C

Gene: CHAT (choline O-acetyltransferase; plus strand). Cytogenetic location: 10q11.23.
Variant type: single nucleotide variant.
Coding change: c.579+102A>C on transcript NM_020549.5 (MANE Select); 102 bases into the intron after coding-DNA position 579, A replaced by C.
Molecular consequence: intron variant.
Genome position (GRCh38, 1-based): chr10:49,620,018, A>C. VCF-style: chr10-49620018-A-C. GRCh37 (hg19) VCF-style: chr10-50828064-A-C.
Other names: c.225+102A>C (NM_020984.4, NM_020985.4, NM_020986.4 and 2 more transcripts); c.333+102A>C (NM_001142933.2).
Identifiers: ClinVar variation 681273 (VCV000681273.2), dbSNP rs10857519, ClinGen allele CA13290097.

ClinVar aggregate classification (germline): Benign. Review status: criteria provided, multiple submitters, no conflicts (2 of 4 stars). 2 submissions from 2 submitters: Benign (2). Last evaluated 2018-06-19.

Allele frequency attached by ClinVar (database versions not stated): gnomAD 0.11206 and 0.11560; 1000 Genomes Project 0.08446; 1000 Genomes Project 30x 0.08604; TOPMed 0.10686; gnomAD exomes 0.10767.
gnomAD v4.1: 131,208 of 1,214,216 alleles (11%); highest among the groups gnomAD compares: Non-Finnish European, 11%; 7,837 homozygotes.

Submissions (2):

GeneDx
Classification: Benign. Last evaluated: 2018-06-19. Review status: criteria provided, single submitter. Criteria: GeneDx Variant Classification (06012015). Collection method: clinical testing. Allele origin: germline. Affected: yes.
Comment: This variant is considered likely benign or benign based on one or more of the following criteria: it is a conservative change, it occurs at a poorly conserved position in the protein, it is predicted to be benign by multiple in silico algorithms, and/or has population frequency not consistent with disease.

Breakthrough Genomics
Classification: Benign. Review status: criteria provided, single submitter. Criteria: ACMG Guidelines, 2015. Collection method: not provided. Allele origin: germline. Inheritance: Autosomal recessive inheritance. Affected: yes.